The following is an entry in ClinVar:

NM_017780.4(CHD7):c.5588C>A (p.Pro1863Gln)

Gene: CHD7 (chromodomain helicase DNA binding protein 7; plus strand). Cytogenetic location: 8q12.2.
Variant type: single nucleotide variant.
Coding change: c.5588C>A on transcript NM_017780.4 (MANE Select); coding-DNA position 5588, C replaced by A.
Protein change: p.Pro1863Gln; replaces proline 1863 with glutamine.
Molecular consequence: missense variant. On other transcripts: intron variant (1).
Genome position (GRCh38, 1-based): chr8:60,851,085, C>A. VCF-style: chr8-60851085-C-A. GRCh37 (hg19) VCF-style: chr8-61763644-C-A.
Other names: c.1717-11144C>A (NM_001316690.1); short protein forms P1863Q.
Identifiers: ClinVar variation 578946 (VCV000578946.9), dbSNP rs753437069, ClinGen allele CA371322040.

ClinVar aggregate classification (germline): Uncertain significance (1 of 4 stars; one submission).

Conditions:
CHARGE syndrome (CHARGE). Also called: Hittner Hirsch Kreh syndrome; Coloboma, heart anomaly, choanal atresia, retardation, genital and ear anomalies; CHARGE association; Hall-Hittner syndrome; CHARGE ASSOCIATION--COLOBOMA, HEART ANOMALY, CHOANAL ATRESIA, RETARDATION, GENITAL AND EAR ANOMALIES. Identifiers: Orphanet 138, MedGen C0265354, MONDO:0008965.

Submission:

Labcorp Genetics (formerly Invitae), Labcorp
Classification: Uncertain significance for CHARGE syndrome. Last evaluated: 2018-12-25. Review status: criteria provided, single submitter. Criteria: Invitae Variant Classification Sherloc (09022015). Collection method: clinical testing. Allele origin: germline.
Comment: In summary, the available evidence is currently insufficient to determine the role of this variant in disease. Therefore, it has been classified as a Variant of Uncertain Significance. Algorithms developed to predict the effect of missense changes on protein structure and function are either unavailable or do not agree on the potential impact of this missense change (SIFT: "Deleterious"; PolyPhen-2: "Probably Damaging"; Align-GVGD: "Class C0"). This variant has not been reported in the literature in individuals with CHD7-related disease. ClinVar contains an entry for this variant (Variation ID: 578946). This variant is not present in population databases (ExAC no frequency). This sequence change replaces proline with glutamine at codon 1863 of the CHD7 protein (p.Pro1863Gln). The proline residue is highly conserved and there is a moderate physicochemical difference between proline and glutamine.